The following is an entry in ClinVar:

ClinVar aggregate classification (germline): Uncertain significance (1 of 4 stars; one submission).

Conditions:
Congenital myasthenic syndrome 14. Also called: Myasthenic syndrome, congenital, 14, with tubular aggregates. Identifiers: Orphanet 353327, Orphanet 590, MedGen C4015597, MONDO:0014543, OMIM 616228.
Congenital disorder of glycosylation, type Ii. Also called: CDG Ii; ALG2-congenital disorder of glycosylation; ALG2-CDG. Identifiers: Orphanet 79326, MedGen C1842836, MONDO:0011933, OMIM 607906.

Submission:

Labcorp Genetics (formerly Invitae), Labcorp
Classification: Uncertain significance for Congenital disorder of glycosylation, type Ii; Congenital myasthenic syndrome 14. Last evaluated: 2019-06-17. Review status: criteria provided, single submitter. Criteria: Invitae Variant Classification Sherloc (09022015). Collection method: clinical testing. Allele origin: germline.
Comment: In summary, the available evidence is currently insufficient to determine the role of this variant in disease. Therefore, it has been classified as a Variant of Uncertain Significance. Algorithms developed to predict the effect of missense changes on protein structure and function (SIFT, PolyPhen-2, Align-GVGD) all suggest that this variant is likely to be disruptive, but these predictions have not been confirmed by published functional studies and their clinical significance is uncertain. This variant has not been reported in the literature in individuals with ALG2-related conditions. This variant is not present in population databases (ExAC no frequency). This sequence change replaces glutamic acid with aspartic acid at codon 163 of the ALG2 protein (p.Glu163Asp). The glutamic acid residue is highly conserved and there is a small physicochemical difference between glutamic acid and aspartic acid.

NM_033087.4(ALG2):c.489G>T (p.Glu163Asp)

Gene: ALG2 (ALG2 alpha-1,3/1,6-mannosyltransferase; minus strand). Cytogenetic location: 9q22.33.
Variant type: single nucleotide variant.
Coding change: c.489G>T on transcript NM_033087.4 (MANE Select); coding-DNA position 489, G replaced by T.
Protein change: p.Glu163Asp; replaces glutamic acid 163 with aspartic acid.
Molecular consequence: missense variant. On other transcripts: non-coding transcript variant (1).
Genome position (GRCh38, 1-based): chr9:99,218,696, C>A on the plus strand (G>T on the coding strand, the complement: ALG2 is on the minus strand). VCF-style: chr9-99218696-C-A. GRCh37 (hg19) VCF-style: chr9-101980978-C-A.
Other names: short protein forms E163D.
Identifiers: ClinVar variation 950024 (VCV000950024.9), dbSNP rs1486842886, ClinGen allele CA374229120.